The following is an entry in ClinVar:

ClinVar aggregate classification (germline): Uncertain significance (1 of 4 stars; one submission).

Submission:

Labcorp Genetics (formerly Invitae), Labcorp
Classification: Uncertain significance. Last evaluated: 2022-06-28. Review status: criteria provided, single submitter. Criteria: Invitae Variant Classification Sherloc (09022015). Collection method: clinical testing. Allele origin: germline.
Comment: This sequence change falls in intron 2 of the CACNA1B gene. It does not directly change the encoded amino acid sequence of the CACNA1B protein. It affects a nucleotide within the consensus splice site. This variant is not present in population databases (gnomAD no frequency). This variant has not been reported in the literature in individuals affected with CACNA1B-related conditions. Variants that disrupt the consensus splice site are a relatively common cause of aberrant splicing (PMID: 17576681, 9536098). Algorithms developed to predict the effect of sequence changes on RNA splicing suggest that this variant may disrupt the consensus splice site. In summary, the available evidence is currently insufficient to determine the role of this variant in disease. Therefore, it has been classified as a Variant of Uncertain Significance.

Literature cited by the submitters: PubMed 17576681; PubMed 9536098.

NM_000718.4(CACNA1B):c.390+1_390+2insACGACACGGAGCCCTATTTCATCGGGATCT

Genes: CACNA1B (calcium voltage-gated channel subunit alpha1 B; plus strand), CACNA1B-AS2 (CACNA1B antisense RNA 2; minus strand). Cytogenetic location: 9q34.3.
Variant type: Insertion.
Coding change: c.390+1_390+2insACGACACGGAGCCCTATTTCATCGGGATCT on transcript NM_000718.4 (MANE Select); the canonical splice donor site of the intron after coding-DNA position 390, ACGACACGGAGCCCTATTTCATCGGGATCT inserted.
Molecular consequence: splice donor variant.
Genome position: GRCh38 VCF-style: chr9-137879160-G-GACGACACGGAGCCCTATTTCATCGGGATCT. GRCh37 (hg19) VCF-style: chr9-140773612-G-GACGACACGGAGCCCTATTTCATCGGGATCT.
Other names: c.390+1_390+2insACGACACGGAGCCCTATTTCATCGGGATCT (NM_001243812.2).
Identifiers: ClinVar variation 2075607 (VCV002075607.1), dbSNP rs370237172, ClinGen allele CA467888076.